The following is an entry in ClinVar:

NC_000003.12:g.169764745_169767720del

Genes: ACTRT3 (actin related protein T3; minus strand), TERC (telomerase RNA component; minus strand), LOC110806306 (telomerase RNA component (TERC) promoter; plus strand). Cytogenetic location: 3q26.2.
Variant type: Deletion.
Genome position: GRCh38: chr3:169,764,745-169,767,720. GRCh37 (hg19): chr3:169,482,533-169,485,508.
Other names: Contiguous gene deletion (del1- 316).
Identifiers: ClinVar variation 40977 (VCV000040977.3), ClinGen allele CA343834.

ClinVar aggregate classification (germline): Pathogenic (0 of 4 stars; one submission).

Conditions:
Dyskeratosis congenita, autosomal dominant 1 (DKCA1). Also called: Dyskeratosis congenita Scoggins type. Identifiers: Orphanet 1775, MedGen C4551974, MONDO:0007485, OMIM 127550. Inheritance: Variable.

Submission:

GeneReviews
Classification: Pathogenic for Dyskeratosis Congenita. Last evaluated: 2012-05-10. Review status: no assertion criteria provided. Collection method: curation. Allele origin: unknown.
ClinVar note: Converted during submission from pathologic to Pathogenic.